The following is an entry in ClinVar:

ClinVar aggregate classification (germline): Uncertain significance (1 of 4 stars; one submission).

Allele frequency attached by ClinVar (database versions not stated): gnomAD exomes below 0.00001; TOPMed 0.00001.
gnomAD v4.1: 1 of 1,613,928 alleles (0.000062%); highest among the groups gnomAD compares: African/African-American, 0.0013%; no homozygotes.

Submission:

Labcorp Genetics (formerly Invitae), Labcorp
Classification: Uncertain significance. Last evaluated: 2022-11-15. Review status: criteria provided, single submitter. Criteria: Invitae Variant Classification Sherloc (09022015). Collection method: clinical testing. Allele origin: germline.
Comment: This sequence change falls in intron 9 of the SCNN1G gene. It does not directly change the encoded amino acid sequence of the SCNN1G protein. It affects a nucleotide within the consensus splice site. This variant is not present in population databases (gnomAD no frequency). This variant has not been reported in the literature in individuals affected with SCNN1G-related conditions. Variants that disrupt the consensus splice site are a relatively common cause of aberrant splicing (PMID: 17576681, 9536098). Algorithms developed to predict the effect of sequence changes on RNA splicing suggest that this variant is not likely to affect RNA splicing. In summary, the available evidence is currently insufficient to determine the role of this variant in disease. Therefore, it has been classified as a Variant of Uncertain Significance.

Literature cited by the submitters: PubMed 17576681; PubMed 9536098.

NM_001039.4(SCNN1G):c.1373+4T>C

Gene: SCNN1G (sodium channel epithelial 1 subunit gamma; plus strand). Cytogenetic location: 16p12.2.
Variant type: single nucleotide variant.
Coding change: c.1373+4T>C on transcript NM_001039.4 (MANE Select); 4 bases into the intron after coding-DNA position 1373, T replaced by C.
Molecular consequence: intron variant.
Genome position (GRCh38, 1-based): chr16:23,212,760, T>C. VCF-style: chr16-23212760-T-C. GRCh37 (hg19) VCF-style: chr16-23224081-T-C.
Identifiers: ClinVar variation 1961498 (VCV001961498.5), dbSNP rs1960100790, ClinGen allele CA2213234158.